The following is an entry in ClinVar:

NM_001164508.2(NEB):c.21546C>T (p.Asn7182=)

Genes: NEB (nebulin; minus strand), RIF1 (replication timing regulatory factor 1; plus strand). Cytogenetic location: 2q23.3.
Variant type: single nucleotide variant.
Coding change: c.21546C>T on transcript NM_001164508.2 (MANE Select); coding-DNA position 21546, C replaced by T.
Protein change: p.Asn7182=; no amino-acid change (asparagine 7182 retained).
Molecular consequence: synonymous variant.
Genome position (GRCh38, 1-based): chr2:151,531,078, G>A on the plus strand (C>T on the coding strand, the complement: NEB is on the minus strand). VCF-style: chr2-151531078-G-A. GRCh37 (hg19) VCF-style: chr2-152387592-G-A.
Other names: p.Asn7217=; c.21546C>T, p.Asn7182= (NM_001164507.2); c.21651C>T, p.Asn7217= (NM_001271208.2); c.16443C>T, p.Asn5481= (NM_004543.5).
Identifiers: ClinVar variation 95113 (VCV000095113.28), dbSNP rs149510427, ClinGen allele CA148204.
Genomic context (GRCh38, chr2:151,531,078, plus strand): 5'-GCGGACATGCAGCAACATGGGTGTGTCGTGGATTGTGGTGTAGCCTCTGGGTTTGGCCTT[G>A]TTGTATTCCAATTTATAAAGGATCTGAAAGATCAAAAAGCAGAAAGACATCATGTCATGC-3'
Protein context (NP_001157980.2, residues 7172-7192): ISDILYKLEY[Asn7182=]KAKPRGYTTI

ClinVar aggregate classification (germline): Benign. Review status: criteria provided, multiple submitters, no conflicts (2 of 4 stars). 11 submissions from 11 submitters: Benign (9). 2 of the submissions do not count toward it. Last evaluated 2026-02-04.

Conditions:
Nemaline myopathy 2 (NEM2). Also called: Nemaline myopathy 2, autosomal recessive. Identifiers: MedGen C1850569, MONDO:0009725, OMIM 256030.

Allele frequency attached by ClinVar (database versions not stated): ESP Exome Variant Server 0.00188; TOPMed 0.01035; ExAC 0.01529; 1000 Genomes Project 30x 0.01686; 1000 Genomes Project 0.01857.
gnomAD v4.1: 10,487 of 1,611,652 alleles (0.65%); highest among the groups gnomAD compares: East Asian, 8.8%; 306 homozygotes.

Submissions (11):

Labcorp Genetics (formerly Invitae), Labcorp
Classification: Benign for Nemaline myopathy 2. Last evaluated: 2026-02-04. Review status: criteria provided, single submitter. Criteria: Invitae Variant Classification Sherloc (09022015). Collection method: clinical testing. Allele origin: germline.

Women's Health and Genetics/Laboratory Corporation of America, LabCorp
Classification: Benign. Last evaluated: 2025-09-14. Review status: criteria provided, single submitter. Criteria: LabCorp Variant Classification Summary - May 2015. Collection method: clinical testing. Allele origin: germline.

Illumina Laboratory Services, Illumina
Classification: Benign for Nemaline myopathy 2. Last evaluated: 2018-01-12. Review status: criteria provided, single submitter. Criteria: ICSL Variant Classification Criteria 13 December 2019. Collection method: clinical testing. Allele origin: germline.
Comment: This variant was observed in the ICSL laboratory as part of a predisposition screen in an ostensibly healthy population. It had not been previously curated by ICSL or reported in the Human Gene Mutation Database (HGMD: prior to June 1st, 2018), and was therefore a candidate for classification through an automated scoring system. Utilizing variant allele frequency, disease prevalence and penetrance estimates, and inheritance mode, an automated score was calculated to assess if this variant is too frequent to cause the disease. Based on the score and internal cut-off values, a variant classified as benign is not then subjected to further curation. The score for this variant resulted in a classification of benign for this disease.

Mayo Clinic Laboratories, Mayo Clinic
Classification: Benign. Last evaluated: 2017-08-24. Review status: criteria provided, single submitter. Criteria: ACMG Guidelines, 2015. Collection method: clinical testing. Allele origin: germline. Observed: 13 variant alleles.

Athena Diagnostics
Classification: Benign. Last evaluated: 2016-09-27. Review status: criteria provided, single submitter. Criteria: Athena Diagnostics Criteria. Collection method: clinical testing. Allele origin: germline.

GeneDx
Classification: Benign. Last evaluated: 2016-03-24. Review status: criteria provided, single submitter. Criteria: GeneDx Variant Classification (06012015). Collection method: clinical testing. Allele origin: germline. Affected: yes.
Comment: This variant is considered likely benign or benign based on one or more of the following criteria: it is a conservative change, it occurs at a poorly conserved position in the protein, it is predicted to be benign by multiple in silico algorithms, and/or has population frequency not consistent with disease.

Eurofins Ntd Llc (ga)
Classification: Benign. Last evaluated: 2013-06-18. Review status: criteria provided, single submitter. Criteria: EGL Classification Definitions 2015. Collection method: clinical testing. Allele origin: germline. Observed: 3 variant alleles, 3 heterozygotes.

Breakthrough Genomics
Classification: Benign. Review status: criteria provided, single submitter. Criteria: ACMG Guidelines, 2015. Collection method: not provided. Allele origin: germline. Inheritance: Autosomal recessive inheritance. Affected: yes.

PreventionGenetics, part of Exact Sciences
Classification: Benign. Review status: criteria provided, single submitter. Criteria: ACMG Guidelines, 2015. Collection method: clinical testing. Allele origin: germline.

Natera, Inc.
Classification: Benign for Nemaline myopathy type 2. Last evaluated: 2020-09-16. Review status: no assertion criteria provided. Collection method: clinical testing. Allele origin: germline. Not counted in ClinVar's aggregate classification.

Genetic Services Laboratory, University of Chicago
Classification: Likely benign for AllHighlyPenetrant. Review status: no assertion criteria provided. Collection method: clinical testing. Allele origin: germline. Inheritance: Autosomal recessive inheritance. Not counted in ClinVar's aggregate classification.
Comment: Likely benign based on allele frequency in 1000 Genomes Project or ESP global frequency and its presence in a patient with a rare or unrelated disease phenotype. NOT Sanger confirmed.